The following is an entry in ClinVar:

NM_000245.4(MET):c.1157T>G (p.Leu386Arg)

Gene: MET (MET proto-oncogene, receptor tyrosine kinase; plus strand). Cytogenetic location: 7q31.2.
Variant type: single nucleotide variant.
Coding change: c.1157T>G on transcript NM_000245.4 (MANE Select); coding-DNA position 1157, T replaced by G.
Protein change: p.Leu386Arg; replaces leucine 386 with arginine.
Molecular consequence: missense variant. On other transcripts: intron variant (1).
Genome position (GRCh38, 1-based): chr7:116,700,241, T>G. VCF-style: chr7-116700241-T-G. GRCh37 (hg19) VCF-style: chr7-116340295-T-G.
Other names: c.1157T>G, p.Leu386Arg (NM_001127500.3, NM_001324401.3); c.-91+27664T>G (NM_001324402.2); c.1157T>G (NM_001127500.2); short protein forms L386R.
Identifiers: ClinVar variation 524881 (VCV000524881.15), dbSNP rs1554379180, ClinGen allele CA368970668.

ClinVar aggregate classification (germline): Uncertain significance. Review status: criteria provided, multiple submitters, no conflicts (2 of 4 stars). 4 submissions from 4 submitters: Uncertain significance (4). Last evaluated 2025-08-24.

Conditions:
Hepatocellular carcinoma (HCC). Also called: Primary carcinoma of liver; HEPATOMA; LIVER CELL CARCINOMA. Identifiers: Orphanet 88673, MedGen C2239176, MONDO:0007256, OMIM 114550, HP:0001402.
Autosomal recessive nonsyndromic hearing loss 97. Also called: Deafness, autosomal recessive 97. Identifiers: Orphanet 90636, MedGen C4084709, MONDO:0014739, OMIM 616705.
Papillary renal cell carcinoma type 1 (RCCP1). Also called: RENAL CELL CARCINOMA, PAPILLARY, 1, SOMATIC; Renal adenocarcinoma; Renal cell carcinoma 1; Renal cell carcinoma, somatic. Identifiers: Orphanet 47044, MedGen C1336839, OMIM 605074, HP:0011797.
Osteofibrous dysplasia (OSFD). Also called: Tibia, bowing of, with pseudarthrosis and pectus excavatum. Identifiers: Orphanet 488265, MedGen C4085248, MONDO:0011806, OMIM 607278.
Hereditary cancer-predisposing syndrome. Also called: Neoplastic Syndromes, Hereditary; Hereditary neoplastic syndrome; Tumor predisposition; Hereditary Cancer Syndrome. Identifiers: Orphanet 140162, MedGen C0027672, MeSH D009386, MONDO:0015356.
Renal cell carcinoma. Identifiers: Orphanet 217071, MedGen C0007134, MeSH D002292, MONDO:0005086, HP:0005584.

Allele frequency attached by ClinVar (database versions not stated): gnomAD exomes below 0.00001.
gnomAD v4.1: 1 of 1,602,354 alleles (0.000062%); highest among the groups gnomAD compares: Non-Finnish European, 0.000085%; no homozygotes.

Submissions (4):

Ambry Genetics
Classification: Uncertain significance for Hereditary cancer-predisposing syndrome. Last evaluated: 2025-08-24. Review status: criteria provided, single submitter. Criteria: Ambry Variant Classification Scheme 2023. Collection method: clinical testing. Allele origin: germline.
Comment: The p.L386R variant (also known as c.1157T>G), located in coding exon 1 of the MET gene, results from a T to G substitution at nucleotide position 1157. The leucine at codon 386 is replaced by arginine, an amino acid with dissimilar properties. This amino acid position is highly conserved in available vertebrate species. In addition, the in silico prediction for this alteration is inconclusive. Since supporting evidence is limited at this time, the clinical significance of this alteration remains unclear.

Labcorp Genetics (formerly Invitae), Labcorp
Classification: Uncertain significance for Renal cell carcinoma. Last evaluated: 2025-04-07. Review status: criteria provided, single submitter. Criteria: Invitae Variant Classification Sherloc (09022015). Collection method: clinical testing. Allele origin: germline.
Comment: This sequence change replaces leucine, which is neutral and non-polar, with arginine, which is basic and polar, at codon 386 of the MET protein (p.Leu386Arg). This variant is not present in population databases (gnomAD no frequency). This variant has not been reported in the literature in individuals affected with MET-related conditions. ClinVar contains an entry for this variant (Variation ID: 524881). Invitae Evidence Modeling of protein sequence and biophysical properties (such as structural, functional, and spatial information, amino acid conservation, physicochemical variation, residue mobility, and thermodynamic stability) indicates that this missense variant is expected to disrupt MET protein function with a positive predictive value of 80%. In summary, the available evidence is currently insufficient to determine the role of this variant in disease. Therefore, it has been classified as a Variant of Uncertain Significance.

Quest Diagnostics Nichols Institute San Juan Capistrano
Classification: Uncertain significance. Last evaluated: 2024-04-28. Review status: criteria provided, single submitter. Criteria: Quest Diagnostics criteria. Collection method: clinical testing. Allele origin: unknown.
Comment: The MET c.1157T>G (p.Leu386Arg) variant has not been reported in individuals with MET-related conditions in the published literature. It also has not been reported in large, multi-ethnic general populations (Genome Aggregation Database). Analysis of this variant using bioinformatics tools for the prediction of the effect of amino acid changes on protein structure and function yielded predictions that this variant is damaging. Based on the available information, we are unable to determine the clinical significance of this variant.

Fulgent Genetics
Classification: Uncertain significance for Hepatocellular carcinoma; Papillary renal cell carcinoma type 1; Osteofibrous dysplasia; Autosomal recessive nonsyndromic hearing loss 97. Last evaluated: 2018-10-31. Review status: criteria provided, single submitter. Criteria: ACMG Guidelines, 2015. Collection method: clinical testing. Allele origin: unknown.